The following is an entry in ClinVar:

ClinVar aggregate classification (germline): Uncertain significance (1 of 4 stars; one submission).

Allele frequency attached by ClinVar (database versions not stated): gnomAD 0.00001.
gnomAD v4.1: 11 of 1,551,168 alleles (0.00071%); highest among the groups gnomAD compares: Non-Finnish European, 0.00096%; no homozygotes.

Submission:

Labcorp Genetics (formerly Invitae), Labcorp
Classification: Uncertain significance. Last evaluated: 2022-08-21. Review status: criteria provided, single submitter. Criteria: Invitae Variant Classification Sherloc (09022015). Collection method: clinical testing. Allele origin: germline.
Comment: In summary, the available evidence is currently insufficient to determine the role of this variant in disease. Therefore, it has been classified as a Variant of Uncertain Significance. Algorithms developed to predict the effect of missense changes on protein structure and function output the following: SIFT: "Tolerated"; PolyPhen-2: "Benign"; Align-GVGD: "Class C0". The serine amino acid residue is found in multiple mammalian species, which suggests that this missense change does not adversely affect protein function. This variant has not been reported in the literature in individuals affected with ARHGEF18-related conditions. This variant is present in population databases (rs565647538, gnomAD 0.007%). This sequence change replaces glycine, which is neutral and non-polar, with serine, which is neutral and polar, at codon 71 of the ARHGEF18 protein (p.Gly71Ser).

NM_001367823.1(ARHGEF18):c.968-193G>A

Gene: ARHGEF18 (Rho/Rac guanine nucleotide exchange factor 18; plus strand). Cytogenetic location: 19p13.2.
Variant type: single nucleotide variant.
Coding change: c.968-193G>A on transcript NM_001367823.1 (MANE Select); 193 bases into the intron before coding-DNA position 968, G replaced by A.
Molecular consequence: intron variant. On other transcripts: missense variant (1).
Genome position (GRCh38, 1-based): chr19:7,440,151, G>A. VCF-style: chr19-7440151-G-A. GRCh37 (hg19) VCF-style: chr19-7505037-G-A.
Other names: c.49G>A, p.Gly17Ser (NM_001130955.2); c.-226-38G>A (NM_001367824.1); c.-71-193G>A (NM_015318.4); short protein forms G17S.
Identifiers: ClinVar variation 1933546 (VCV001933546.5), dbSNP rs565647538, ClinGen allele CA304877518.
Genomic context (GRCh38, chr19:7,440,151, plus strand): 5'-CCGGGCGCGAACATGGGGAATGCGCACTCCAAAAGCGGGGACAGGCACAGCGCGCTCCCC[G>A]GCCGCCCCGAGCTGTCTTTTTACGGCTCTTTCCCCAGGAAATGGAGCGAGAACGTCTTCT-3'